The following is an entry in ClinVar:

ClinVar aggregate classification (germline): Uncertain significance (1 of 4 stars; one submission).

Conditions:
Idiopathic generalized epilepsy. Also called: EIG; Generalised epilepsy. Identifiers: MedGen C0270850, MONDO:0005579, OMIM 600669.
Epilepsy, idiopathic generalized, susceptibility to, 13. Also called: EPILEPSY, JUVENILE MYOCLONIC, SUSCEPTIBILITY TO, 5. Identifiers: Orphanet 307, Orphanet 64280, MedGen C4013473, MONDO:0012627, OMIM 611136.
Epilepsy, childhood absence 4 (ECA4). Also called: EPILEPSY, CHILDHOOD ABSENCE, SUSCEPTIBILITY TO, 4. Identifiers: Orphanet 307, MedGen C1970160.

Submission:

Labcorp Genetics (formerly Invitae), Labcorp
Classification: Uncertain significance for Epilepsy, childhood absence 4; Epilepsy, idiopathic generalized, susceptibility to, 13; Idiopathic generalized epilepsy. Last evaluated: 2023-11-02. Review status: criteria provided, single submitter. Criteria: Invitae Variant Classification Sherloc (09022015). Collection method: clinical testing. Allele origin: germline.
Comment: This sequence change replaces threonine, which is neutral and polar, with asparagine, which is neutral and polar, at codon 140 of the GABRA1 protein (p.Thr140Asn). This variant is not present in population databases (gnomAD no frequency). This variant has not been reported in the literature in individuals affected with GABRA1-related conditions. Advanced modeling of protein sequence and biophysical properties (such as structural, functional, and spatial information, amino acid conservation, physicochemical variation, residue mobility, and thermodynamic stability) performed at Invitae indicates that this missense variant is expected to disrupt GABRA1 protein function with a positive predictive value of 95%. In summary, the available evidence is currently insufficient to determine the role of this variant in disease. Therefore, it has been classified as a Variant of Uncertain Significance.

NM_001127644.2(GABRA1):c.419C>A (p.Thr140Asn)

Gene: GABRA1 (gamma-aminobutyric acid type A receptor subunit alpha1; plus strand). Cytogenetic location: 5q34.
Variant type: single nucleotide variant.
Coding change: c.419C>A on transcript NM_001127644.2 (MANE Select); coding-DNA position 419, C replaced by A.
Protein change: p.Thr140Asn; replaces threonine 140 with asparagine.
Molecular consequence: missense variant.
Genome position (GRCh38, 1-based): chr5:161,873,280, C>A. VCF-style: chr5-161873280-C-A. GRCh37 (hg19) VCF-style: chr5-161300286-C-A.
Other names: c.419C>A, p.Thr140Asn (NM_000806.5, NM_001127643.2, NM_001127645.2 and 1 more transcripts); short protein forms T140N.
Identifiers: ClinVar variation 2953493 (VCV002953493.3), dbSNP rs2532239579, ClinGen allele CA362179043.